The following is an entry in ClinVar:

NM_001673.5(ASNS):c.908C>A (p.Ala303Glu)

Genes: ASNS (asparagine synthetase (glutamine-hydrolyzing); minus strand), CZ1P-ASNS (CZ1P-ASNS readthrough; minus strand). Cytogenetic location: 7q21.3.
Variant type: single nucleotide variant.
Coding change: c.908C>A on transcript NM_001673.5 (MANE Select); coding-DNA position 908, C replaced by A.
Protein change: p.Ala303Glu; replaces alanine 303 with glutamic acid.
Molecular consequence: missense variant. On other transcripts: non-coding transcript variant (1).
Genome position (GRCh38, 1-based): chr7:97,856,812, G>T on the plus strand (C>A on the coding strand, the complement: ASNS is on the minus strand). VCF-style: chr7-97856812-G-T. GRCh37 (hg19) VCF-style: chr7-97486124-G-T.
Other names: c.845C>A, p.Ala282Glu (NM_001178075.2); c.659C>A, p.Ala220Glu (NM_001178076.2, NM_001178077.1); c.908C>A, p.Ala303Glu (NM_001352496.2, NM_133436.3, NM_183356.4); short protein forms A220E, A282E, A303E.
Identifiers: ClinVar variation 985964 (VCV000985964.6), dbSNP rs1167308898, ClinGen allele CA368267291.
Genomic context (GRCh38, chr7:97,856,812, plus strand): 5'-GCCTGAATGCCTTCCTCAGAGTTAAAAAGGACTTCATAATGTTCACTTCCAATATGATCT[G>T]CCACCTTATTATATAAAGAAATACCCATTTACTTGTTAAAGAAAATAACTTCCCTTGAAA-3'
Protein context (NP_001664.3, residues 293-313): SPDLLAARKV[Ala303Glu]DHIGSEHYEV

ClinVar aggregate classification (germline): Uncertain significance. Review status: criteria provided, multiple submitters, no conflicts (2 of 4 stars). 2 submissions from 2 submitters: Uncertain significance (2). Last evaluated 2023-11-10.

Conditions:
Inborn genetic diseases. Identifiers: MedGen C0950123, MeSH D030342.

Allele frequency attached by ClinVar (database versions not stated): gnomAD 0.00001; gnomAD exomes below 0.00001; TOPMed below 0.00001.
gnomAD v4.1: 3 of 1,601,696 alleles (0.00019%); highest among the groups gnomAD compares: Non-Finnish European, 0.00026%; no homozygotes.

Submissions (2):

GeneDx
Classification: Uncertain significance. Last evaluated: 2023-11-10. Review status: criteria provided, single submitter. Criteria: GeneDx Variant Classification Process June 2021. Collection method: clinical testing. Allele origin: germline. Affected: yes.
Comment: Not observed at significant frequency in large population cohorts (gnomAD); In silico analysis supports that this missense variant has a deleterious effect on protein structure/function; Has not been previously published as pathogenic or benign to our knowledge

Ambry Genetics
Classification: Uncertain significance for Inborn genetic diseases. Last evaluated: 2018-11-08. Review status: criteria provided, single submitter. Criteria: Ambry exome assertion method (8-5-2015). Collection method: clinical testing. Allele origin: germline. Affected: yes. Observed: 1 variant allele.